The following is an entry in ClinVar:

NM_005228.5(EGFR):c.1028G>T (p.Gly343Val)

Genes: EGFR (epidermal growth factor receptor; plus strand), LOC126860048 (P300/CBP strongly-dependent group 1 enhancer GRCh37_chr7:55223847-55225046; plus strand). Cytogenetic location: 7p11.2.
Variant type: single nucleotide variant.
Coding change: c.1028G>T on transcript NM_005228.5 (MANE Select); coding-DNA position 1028, G replaced by T.
Protein change: p.Gly343Val; replaces glycine 343 with valine.
Molecular consequence: missense variant.
Genome position (GRCh38, 1-based): chr7:55,156,554, G>T. VCF-style: chr7-55156554-G-T. GRCh37 (hg19) VCF-style: chr7-55224247-G-T.
Other names: c.893G>T, p.Gly298Val (NM_001346897.2, NM_001346899.2); c.1028G>T, p.Gly343Val (NM_001346898.2, NM_201282.2, NM_201283.2 and 1 more transcripts); c.869G>T, p.Gly290Val (NM_001346900.2); c.227G>T, p.Gly76Val (NM_001346941.2); c.1028G>T (NM_005228.3); short protein forms G343V, G290V, G298V, G76V.
Identifiers: ClinVar variation 1509945 (VCV001509945.6), dbSNP rs771398183, ClinGen allele CA4265465.

ClinVar aggregate classification (germline): Uncertain significance. Review status: criteria provided, multiple submitters, no conflicts (2 of 4 stars). 2 submissions from 2 submitters: Uncertain significance (2). Last evaluated 2025-10-08.

Conditions:
Hereditary cancer-predisposing syndrome. Also called: Hereditary neoplastic syndrome; Neoplastic Syndromes, Hereditary; Tumor predisposition; Hereditary Cancer Syndrome. Identifiers: Orphanet 140162, MedGen C0027672, MeSH D009386, MONDO:0015356.
EGFR-related lung cancer (EGFR). Identifiers: MedGen CN130014.

Allele frequency attached by ClinVar (database versions not stated): gnomAD exomes below 0.00001; ExAC 0.00001; gnomAD 0.00001 and 0.00002; TOPMed 0.00001.
gnomAD v4.1: 13 of 1,614,094 alleles (0.00081%); highest among the groups gnomAD compares: Non-Finnish European, 0.0011%; no homozygotes.

Submissions (2):

Labcorp Genetics (formerly Invitae), Labcorp
Classification: Uncertain significance for EGFR-related lung cancer. Last evaluated: 2025-10-08. Review status: criteria provided, single submitter. Criteria: Invitae Variant Classification Sherloc (09022015). Collection method: clinical testing. Allele origin: germline.
Comment: This sequence change replaces glycine, which is neutral and non-polar, with valine, which is neutral and non-polar, at codon 343 of the EGFR protein (p.Gly343Val). This variant is not present in population databases (gnomAD no frequency). This variant has not been reported in the literature in individuals affected with EGFR-related conditions. ClinVar contains an entry for this variant (Variation ID: 1509945). Invitae Evidence Modeling of protein sequence and biophysical properties (such as structural, functional, and spatial information, amino acid conservation, physicochemical variation, residue mobility, and thermodynamic stability) indicates that this missense variant is not expected to disrupt EGFR protein function with a negative predictive value of 80%. In summary, the available evidence is currently insufficient to determine the role of this variant in disease. Therefore, it has been classified as a Variant of Uncertain Significance.

Ambry Genetics
Classification: Uncertain significance for Hereditary cancer-predisposing syndrome. Last evaluated: 2025-01-07. Review status: criteria provided, single submitter. Criteria: Ambry Variant Classification Scheme 2023. Collection method: clinical testing. Allele origin: germline.
Comment: The p.G343V variant (also known as c.1028G>T), located in coding exon 9 of the EGFR gene, results from a G to T substitution at nucleotide position 1028. The glycine at codon 343 is replaced by valine, an amino acid with dissimilar properties. This amino acid position is highly conserved in available vertebrate species. In addition, this alteration is predicted to be deleterious by in silico analysis. Based on the available evidence, the clinical significance of this variant remains unclear.